The following is an entry in ClinVar:

NM_003680.4(YARS1):c.209C>T (p.Thr70Ile)

Gene: YARS1 (tyrosyl-tRNA synthetase 1; minus strand). Cytogenetic location: 1p35.1.
Variant type: single nucleotide variant.
Coding change: c.209C>T on transcript NM_003680.4 (MANE Select); coding-DNA position 209, C replaced by T.
Protein change: p.Thr70Ile; replaces threonine 70 with isoleucine.
Molecular consequence: missense variant.
Genome position (GRCh38, 1-based): chr1:32,810,762, G>A on the plus strand (C>T on the coding strand, the complement: YARS1 is on the minus strand). VCF-style: chr1-32810762-G-A. GRCh37 (hg19) VCF-style: chr1-33276363-G-A.
Other names: short protein forms T70I.
Identifiers: ClinVar variation 961814 (VCV000961814.11), dbSNP rs771657997, ClinGen allele CA745245.

ClinVar aggregate classification (germline): Uncertain significance. Review status: criteria provided, multiple submitters, no conflicts (2 of 4 stars). 3 submissions from 3 submitters: Uncertain significance (3). Last evaluated 2025-12-16.

Conditions:
YARS1-related disorder. Also called: YARS1-related condition.
Inborn genetic diseases. Identifiers: MedGen C0950123, MeSH D030342.
Charcot-Marie-Tooth disease dominant intermediate C (CMTDIC). Also called: CHARCOT-MARIE-TOOTH NEUROPATHY, DOMINANT INTERMEDIATE C. Identifiers: Orphanet 100045, MedGen C1842237, MONDO:0012012, OMIM 608323.

Allele frequency attached by ClinVar (database versions not stated): ExAC 0.00002; gnomAD exomes 0.00002; TOPMed 0.00003.
gnomAD v4.1: 13 of 1,614,004 alleles (0.00081%); highest among the groups gnomAD compares: Non-Finnish European, 0.0011%; no homozygotes.

Submissions (3):

Labcorp Genetics (formerly Invitae), Labcorp
Classification: Uncertain significance for Charcot-Marie-Tooth disease dominant intermediate C. Last evaluated: 2025-12-16. Review status: criteria provided, single submitter. Criteria: Invitae Variant Classification Sherloc (09022015). Collection method: clinical testing. Allele origin: germline.
Comment: This sequence change replaces threonine, which is neutral and polar, with isoleucine, which is neutral and non-polar, at codon 70 of the YARS protein (p.Thr70Ile). This variant is present in population databases (rs771657997, gnomAD 0.006%). This variant has not been reported in the literature in individuals affected with YARS-related conditions. ClinVar contains an entry for this variant (Variation ID: 961814). Invitae Evidence Modeling of protein sequence and biophysical properties (such as structural, functional, and spatial information, amino acid conservation, physicochemical variation, residue mobility, and thermodynamic stability) indicates that this missense variant is not expected to disrupt YARS protein function with a negative predictive value of 80%. In summary, the available evidence is currently insufficient to determine the role of this variant in disease. Therefore, it has been classified as a Variant of Uncertain Significance.

PreventionGenetics, part of Exact Sciences
Classification: Uncertain significance for YARS1-related condition. Last evaluated: 2025-10-26. Review status: criteria provided, single submitter. Criteria: ACMG Guidelines, 2015. Collection method: clinical testing. Allele origin: germline.
Comment: The YARS1 c.209C>T variant is predicted to result in the amino acid substitution p.Thr70Ile. To our knowledge, this variant has not been reported in the literature. This variant is reported in 0.0054% of alleles in individuals of European (Non-Finnish) descent in gnomAD. At this time, the clinical significance of this variant is uncertain due to the absence of conclusive functional and genetic evidence.

Ambry Genetics
Classification: Uncertain significance for Inborn genetic diseases. Last evaluated: 2025-02-14. Review status: criteria provided, single submitter. Criteria: Ambry Variant Classification Scheme 2023. Collection method: clinical testing. Allele origin: germline.